The following is an entry in ClinVar:

NM_001348768.2(HECW2):c.2585+7A>G

Gene: HECW2 (HECT, C2 and WW domain containing E3 ubiquitin protein ligase 2; minus strand). Cytogenetic location: 2q32.3.
Variant type: single nucleotide variant.
Coding change: c.2585+7A>G on transcript NM_001348768.2 (MANE Select); 7 bases into the intron after coding-DNA position 2585, A replaced by G.
Molecular consequence: intron variant.
Genome position (GRCh38, 1-based): chr2:196,307,928, T>C on the plus strand (A>G on the coding strand, the complement: HECW2 is on the minus strand). VCF-style: chr2-196307928-T-C. GRCh37 (hg19) VCF-style: chr2-197172652-T-C.
Other names: c.2585+7A>G (NM_020760.4); c.1517+7A>G (NM_001304840.3).
Identifiers: ClinVar variation 3768263 (VCV003768263.1).

ClinVar aggregate classification (germline): Uncertain significance (1 of 4 stars; one submission).

gnomAD v4.1: 19 of 1,519,232 alleles (0.0013%); highest among the groups gnomAD compares: African/African-American, 0.019%; no homozygotes.

Submission:

Women's Health and Genetics/Laboratory Corporation of America, LabCorp
Classification: Uncertain significance. Last evaluated: 2024-12-04. Review status: criteria provided, single submitter. Criteria: LabCorp Variant Classification Summary - May 2015. Collection method: clinical testing. Allele origin: germline.
Comment: Variant summary: HECW2 c.2585+7A>G alters a nucleotide located close to a canonical splice site and therefore could affect mRNA splicing, leading to a significantly altered protein sequence. Several computational tools predict a significant impact on normal splicing: Three predict the variant no significant impact on splicing. One predict the variant weakens a 5' donor site. Two predict the variant creates a 5' donor site. However, these predictions have yet to be confirmed by functional studies. The variant allele was found at a frequency of 1.8e-05 in 224306 control chromosomes. The available data on variant occurrences in the general population are insufficient to allow any conclusion about variant significance. To our knowledge, no occurrence of c.2585+7A>G in individuals affected with Neurodevelopmental Disorder With Hypotonia, Seizures, And Absent Language and no experimental evidence demonstrating its impact on protein function have been reported. No submitters have cited clinical-significance assessments for this variant to ClinVar. Based on the evidence outlined above, the variant was classified as uncertain significance.